The following is an entry in ClinVar:

ClinVar aggregate classification (germline): Conflicting classifications of pathogenicity. Review status: criteria provided, conflicting classifications (1 of 4 stars). 3 submissions from 3 submitters: Uncertain significance (2); Likely benign (1). Last evaluated 2024-03-28.

Conditions:
Duchenne muscular dystrophy (DMD). Also called: Duchenne Muscular Dystrophy (DMD); MUSCULAR DYSTROPHY, PSEUDOHYPERTROPHIC PROGRESSIVE, DUCHENNE TYPE. Identifiers: Orphanet 98896, MedGen C0013264, MONDO:0010679, OMIM 310200.
Cardiovascular phenotype. Identifiers: MedGen CN230736.

gnomAD v4.1: 4 of 1,210,033 alleles (0.00033%); highest among the groups gnomAD compares: Non-Finnish European, 0.00034%; 1 homozygote.

Submissions (3):

Ambry Genetics
Classification: Uncertain significance for Cardiovascular phenotype. Last evaluated: 2024-03-28. Review status: criteria provided, single submitter. Criteria: Ambry Variant Classification Scheme 2023. Collection method: clinical testing. Allele origin: germline.
Comment: The p.D3622H variant (also known as c.10864G>C), located in coding exon 76 of the DMD gene, results from a G to C substitution at nucleotide position 10864. The aspartic acid at codon 3622 is replaced by histidine, an amino acid with similar properties. This amino acid position is highly conserved in available vertebrate species. In addition, this alteration is predicted to be tolerated by in silico analysis. Based on data from gnomAD, the C allele has an overall frequency of 0.0005% (1/183164) total alleles studied, with 1 hemizygote(s) observed. The highest observed frequency was 0.0012% (1/81735) of European (non-Finnish) alleles. Based on the available evidence, the clinical significance of this alteration remains unclear.

Labcorp Genetics (formerly Invitae), Labcorp
Classification: Likely benign for Duchenne muscular dystrophy. Last evaluated: 2023-05-07. Review status: criteria provided, single submitter. Criteria: Invitae Variant Classification Sherloc (09022015). Collection method: clinical testing. Allele origin: germline.

Revvity Omics, Revvity
Classification: Uncertain significance. Last evaluated: 2022-09-13. Review status: criteria provided, single submitter. Criteria: ACMG Guidelines, 2015. Collection method: clinical testing. Allele origin: germline.

NM_004006.3(DMD):c.10864G>C (p.Asp3622His)

Gene: DMD (dystrophin; minus strand). Cytogenetic location: Xp21.2.
Variant type: single nucleotide variant.
Coding change: c.10864G>C on transcript NM_004006.3 (MANE Select); coding-DNA position 10864, G replaced by C.
Protein change: p.Asp3622His; replaces aspartic acid 3622 with histidine.
Molecular consequence: missense variant.
Genome position (GRCh38, 1-based): chrX:31,146,348, C>G on the plus strand (G>C on the coding strand, the complement: DMD is on the minus strand). VCF-style: chrX-31146348-C-G. GRCh37 (hg19) VCF-style: chrX-31164465-C-G.
Other names: c.10840G>C, p.Asp3614His (NM_000109.4); c.10852G>C, p.Asp3618His (NM_004009.3); c.10495G>C, p.Asp3499His (NM_004010.3); c.6841G>C, p.Asp2281His (NM_004011.4); c.6832G>C, p.Asp2278His (NM_004012.4); c.3484G>C, p.Asp1162His (NM_004013.3, NM_004021.3); c.2677G>C, p.Asp893His (NM_004014.3); c.1660G>C, p.Asp554His (NM_004015.3, NM_004016.3); and 3 more; short protein forms D1052H, D1149H, D1162H, D2278H, D2281H, D3499H, D3614H, D3618H.
Identifiers: ClinVar variation 2440851 (VCV002440851.7), dbSNP rs1470608087, ClinGen allele CA412648758.